The following is an entry in ClinVar:

NM_000037.4(ANK1):c.3157C>T (p.Arg1053Ter)

Gene: ANK1 (ankyrin 1; minus strand). Cytogenetic location: 8p11.21.
Variant type: single nucleotide variant.
Coding change: c.3157C>T on transcript NM_000037.4 (MANE Select); coding-DNA position 3157, C replaced by T.
Protein change: p.Arg1053Ter; replaces arginine 1053 with a stop codon.
Molecular consequence: nonsense.
Genome position (GRCh38, 1-based): chr8:41,694,762, G>A on the plus strand (C>T on the coding strand, the complement: ANK1 is on the minus strand). VCF-style: chr8-41694762-G-A. GRCh37 (hg19) VCF-style: chr8-41552280-G-A.
Other names: p.Arg1053*; c.3280C>T, p.Arg1094Ter (NM_001142446.2); c.3157C>T, p.Arg1053Ter (NM_020475.3, NM_020476.3, NM_020477.3); c.3157C>T (NM_020476.2); short protein forms R1053*, R1094*.
Identifiers: ClinVar variation 1323896 (VCV001323896.17), dbSNP rs2150593517, ClinGen allele CA371060741.

ClinVar aggregate classification (germline): Pathogenic. Review status: criteria provided, multiple submitters, no conflicts (2 of 4 stars). 7 submissions from 7 submitters: Pathogenic (7). Last evaluated 2025-10-26.

Conditions:
ANK1-related disorder. Also called: ANK1-related condition.
Hereditary spherocytosis type 1. Also called: Spherocytosis type 1; ANK1-Related Spherocytosis. Identifiers: Orphanet 822, MedGen C2674218, MONDO:0008447, OMIM 182900.

Submissions (7):

Labcorp Genetics (formerly Invitae), Labcorp
Classification: Pathogenic. Last evaluated: 2025-10-26. Review status: criteria provided, single submitter. Criteria: Invitae Variant Classification Sherloc (09022015). Collection method: clinical testing. Allele origin: germline.
Comment: This sequence change creates a premature translational stop signal (p.Arg1053*) in the ANK1 gene. It is expected to result in an absent or disrupted protein product. Loss-of-function variants in ANK1 are known to be pathogenic (PMID: 8640229). This variant is not present in population databases (gnomAD no frequency). This premature translational stop signal has been observed in individual(s) with spherocytosis (PMID: 12899723, 31122244). ClinVar contains an entry for this variant (Variation ID: 1323896). For these reasons, this variant has been classified as Pathogenic.

PreventionGenetics, part of Exact Sciences
Classification: Pathogenic for ANK1-related condition. Last evaluated: 2025-09-03. Review status: criteria provided, single submitter. Criteria: ACMG Guidelines, 2015. Collection method: clinical testing. Allele origin: germline.
Comment: The ANK1 c.3157C>T variant is predicted to result in premature protein termination (p.Arg1053*). This variant was reported to be causative for hereditary spherocytosis (Ozcan et al. 2003. PubMed ID: 12899723; reported as c.3280C>T in Table 2, Wu et al. 2024. PubMed ID: 39044243). This variant has not been reported in a large population database (gnomAD), indicating this variant is rare. Nonsense variants in ANK1 are expected to be pathogenic. This variant is interpreted as pathogenic.

Dasa
Classification: Pathogenic. Last evaluated: 2024-09-19. Review status: criteria provided, single submitter. Criteria: DASA Assertion Criteria. Collection method: clinical testing. Allele origin: germline.
Comment: NM_000037.4(ANK1):c.3157C>T (p.Arg1053*) introduces a premature termination codon predicted to result in loss of normal protein function. Loss-of-function is an established mechanism of disease for this gene. Based on the available data, this variant is classified as pathogenic.

Revvity Omics, Revvity
Classification: Pathogenic for Hereditary spherocytosis type 1. Last evaluated: 2024-09-02. Review status: criteria provided, single submitter. Criteria: ACMG Guidelines, 2015. Collection method: clinical testing. Allele origin: germline.

Mayo Clinic Laboratories, Mayo Clinic
Classification: Pathogenic. Last evaluated: 2024-07-10. Review status: criteria provided, single submitter. Criteria: ACMG Guidelines, 2015. Collection method: clinical testing. Allele origin: germline. Observed: 2 variant alleles.
Comment: PM2_moderate, PS4_moderate, PVS1

Blueprint Genetics
Classification: Pathogenic for ANK1-related disorders. Last evaluated: 2022-01-20. Review status: criteria provided, single submitter. Criteria: ACMG Guidelines, 2015. Collection method: clinical testing. Allele origin: germline. Affected: yes. Observed: 1 variant allele.

Juno Genomics, Hangzhou Juno Genomics, Inc
Classification: Pathogenic for Hereditary spherocytosis type 1. Review status: criteria provided, single submitter. Criteria: ACMG Guidelines, 2015. Collection method: clinical testing. Allele origin: germline.
Comment: Absent from controls (or at extremely low frequency if recessive) in Genome Aggregation Database.;Null variant in a gene where loss of function (LOF) is a known mechanism of disease.;The prevalence of the variant in affected individuals is significantly increased compared to the prevalence in controls.

Literature cited by the submitters: PubMed 8640229 (cited by Labcorp Genetics (formerly Invitae), Labcorp); PubMed 12899723 (cited by Labcorp Genetics (formerly Invitae), Labcorp and Mayo Clinic Laboratories, Mayo Clinic); PubMed 31122244 (cited by Labcorp Genetics (formerly Invitae), Labcorp and Mayo Clinic Laboratories, Mayo Clinic); PubMed 23322884 (cited by Mayo Clinic Laboratories, Mayo Clinic).